The following is an entry in ClinVar:

ClinVar aggregate classification (germline): Uncertain significance (1 of 4 stars; one submission).

Submission:

Labcorp Genetics (formerly Invitae), Labcorp
Classification: Uncertain significance. Last evaluated: 2022-02-09. Review status: criteria provided, single submitter. Criteria: Invitae Variant Classification Sherloc (09022015). Collection method: clinical testing. Allele origin: germline.
Comment: This sequence change affects a donor splice site in intron 7 of the DIAPH3 gene. It is expected to disrupt RNA splicing. Variants that disrupt the donor or acceptor splice site typically lead to a loss of protein function (PMID: 16199547), however the current clinical and genetic evidence is not sufficient to establish whether loss-of-function variants in DIAPH3 cause disease. This variant is not present in population databases (gnomAD no frequency). This variant has not been reported in the literature in individuals affected with DIAPH3-related conditions. Algorithms developed to predict the effect of sequence changes on RNA splicing suggest that this variant may disrupt the consensus splice site. In summary, the available evidence is currently insufficient to determine the role of this variant in disease. Therefore, it has been classified as a Variant of Uncertain Significance.

Literature cited by the submitters: PubMed 16199547.

NM_001042517.2(DIAPH3):c.771+1G>A

Genes: DIAPH3 (diaphanous related formin 3; minus strand), DIAPH3-AS1 (DIAPH3 antisense RNA 1; plus strand). Cytogenetic location: 13q21.2.
Variant type: single nucleotide variant.
Coding change: c.771+1G>A on transcript NM_001042517.2 (MANE Select); the canonical splice donor site of the intron after coding-DNA position 771, G replaced by A.
Molecular consequence: splice donor variant.
Genome position (GRCh38, 1-based): chr13:60,015,912, C>T on the plus strand (G>A on the coding strand, the complement: DIAPH3 is on the minus strand). VCF-style: chr13-60015912-C-T. GRCh37 (hg19) VCF-style: chr13-60590046-C-T.
Other names: c.561+1G>A (NM_001258368.2); c.633+1G>A (NM_001258367.2); c.738+1G>A (NM_001258366.2); c.771+1G>A (NM_001258369.2).
Identifiers: ClinVar variation 1899934 (VCV001899934.5), dbSNP rs2502756344, ClinGen allele CA388336344.